The following is an entry in ClinVar:

NM_004928.3(CFAP410):c.144-6_159del

Gene: CFAP410 (cilia and flagella associated protein 410; minus strand). Cytogenetic location: 21q22.3.
Variant type: Deletion.
Coding change: c.144-6_159del on transcript NM_004928.3 (MANE Select); 6 bases into the intron before coding-DNA position 144 through coding-DNA position 159, 22 bases deleted (GTGCAGTGTCAACAGCATCTCC).
Molecular consequence: splice acceptor variant.
Genome position (GRCh38, 1-based): chr21:44,333,247-44,333,268, GGAGATGCTGTTGACACTGCAC deleted on the plus strand (GTGCAGTGTCAACAGCATCTCC on the coding strand, the reverse complement: CFAP410 is on the minus strand); deleting any 22 consecutive bases within chr21:44,333,247-44,333,273 gives the same sequence; the c. name uses the placement nearest the transcript's 3' end. VCF-style (leftmost placement, unchanged base first): chr21-44333246-TGGAGATGCTGTTGACACTGCAC-T. GRCh37 (hg19) VCF-style: chr21-45753129-TGGAGATGCTGTTGACACTGCAC-T.
Other names: c.144-6_159del (NM_001271440.2, NM_001271441.2); c.30-15_36del (NM_001271442.1).
Identifiers: ClinVar variation 2627897 (VCV002627897.2), dbSNP rs2047687010, ClinGen allele CA2391591028.
Genomic context (GRCh38, chr21:44,333,246, plus strand): 5'-TGCGGTTCCTCCGCAGGTACAGCTCACTCAGGCGCTGGCACCGGCTCACAGGCTCCAGGG[TGGAGATGCTGTTGACACTGCAC>T]GGAGACCAGCACAGTCAGCGAGGGACGTGGCCAGGGCCCCCAGGGCCACCTCTCAATCCC-3'

ClinVar aggregate classification (germline): Pathogenic (1 of 4 stars; one submission).

Conditions:
Retinal dystrophy with or without macular staphyloma. Identifiers: Orphanet 653709, MedGen C4479651, MONDO:0060507, OMIM 617547.

Submission:

Ophthalmic Molecular Genetics Section (OMGS), NEI/NIH
Classification: Pathogenic for Retinal dystrophy with or without macular staphyloma. Review status: criteria provided, single submitter. Criteria: ACMG Guidelines, 2015. Collection method: clinical testing. Allele origin: inherited. Inheritance: Autosomal recessive inheritance. Affected: yes. Observed: 1 variant allele, 1 compound heterozygote.
Comment: This variant was absent in gnomAD v.2.1

Literature cited by the submitters: PubMed 26294103; PubMed 26167768.